The following is an entry in ClinVar:

ClinVar aggregate classification (germline): Uncertain significance. Review status: criteria provided, multiple submitters, no conflicts (2 of 4 stars). 3 submissions from 3 submitters: Uncertain significance (3). Last evaluated 2024-05-05.

Conditions:
Hereditary cancer-predisposing syndrome. Also called: Hereditary Cancer Syndrome; Tumor predisposition; Hereditary neoplastic syndrome; Neoplastic Syndromes, Hereditary. Identifiers: Orphanet 140162, MedGen C0027672, MeSH D009386, MONDO:0015356.
Bloom syndrome (BLM). Also called: Bloom-Torre-Machacek syndrome. Identifiers: Orphanet 125, MedGen C0005859, MONDO:0008876, OMIM 210900.

Allele frequency attached by ClinVar (database versions not stated): TOPMed below 0.00001.

Submissions (3):

Labcorp Genetics (formerly Invitae), Labcorp
Classification: Uncertain significance for Bloom syndrome. Last evaluated: 2024-05-05. Review status: criteria provided, single submitter. Criteria: Invitae Variant Classification Sherloc (09022015). Collection method: clinical testing. Allele origin: germline.
Comment: This sequence change replaces threonine, which is neutral and polar, with alanine, which is neutral and non-polar, at codon 200 of the BLM protein (p.Thr200Ala). This variant is not present in population databases (gnomAD no frequency). This variant has not been reported in the literature in individuals affected with BLM-related conditions. ClinVar contains an entry for this variant (Variation ID: 1046862). An algorithm developed to predict the effect of missense changes on protein structure and function (PolyPhen-2) suggests that this variant is likely to be tolerated. In summary, the available evidence is currently insufficient to determine the role of this variant in disease. Therefore, it has been classified as a Variant of Uncertain Significance.

Ambry Genetics
Classification: Uncertain significance for Hereditary cancer-predisposing syndrome. Last evaluated: 2022-05-14. Review status: criteria provided, single submitter. Criteria: Ambry Variant Classification Scheme 2023. Collection method: clinical testing. Allele origin: germline.
Comment: The p.T200A variant (also known as c.598A>G), located in coding exon 2 of the BLM gene, results from an A to G substitution at nucleotide position 598. The threonine at codon 200 is replaced by alanine, an amino acid with similar properties. This amino acid position is conserved. In addition, this alteration is predicted to be tolerated by in silico analysis. Since supporting evidence is limited at this time, the clinical significance of this alteration remains unclear.

Revvity Omics, Revvity
Classification: Uncertain significance for Bloom syndrome. Last evaluated: 2020-03-31. Review status: criteria provided, single submitter. Criteria: ACMG Guidelines, 2015. Collection method: clinical testing. Allele origin: germline.

NM_000057.4(BLM):c.598A>G (p.Thr200Ala)

Gene: BLM (BLM RecQ like helicase; plus strand). Cytogenetic location: 15q26.1.
Variant type: single nucleotide variant.
Coding change: c.598A>G on transcript NM_000057.4 (MANE Select); coding-DNA position 598, A replaced by G.
Protein change: p.Thr200Ala; replaces threonine 200 with alanine.
Molecular consequence: missense variant. On other transcripts: 5 prime UTR variant (1).
Genome position (GRCh38, 1-based): chr15:90,749,866, A>G. VCF-style: chr15-90749866-A-G. GRCh37 (hg19) VCF-style: chr15-91293096-A-G.
Other names: c.598A>G, p.Thr200Ala (NM_001287246.2, NM_001287247.2); c.-694A>G (NM_001287248.2); short protein forms T200A.
Identifiers: ClinVar variation 1046862 (VCV001046862.12), dbSNP rs1895627174, ClinGen allele CA393841142.
Genomic context (GRCh38, chr15:90,749,866, plus strand): 5'-GTAAGCACTGCTCAGAAATCAAAAAAGGGTAAGAGAAACTTTTTTAAAGCACAGCTTTAT[A>G]CAACAAACACAGTAAAGACTGATTTGCCTCCACCCTCCTCTGAAAGCGAGCAAATAGATT-3'
Protein context (NP_000048.1, residues 190-210): KRNFFKAQLY[Thr200Ala]TNTVKTDLPP